The following is an entry in ClinVar:

NM_014334.4(FRRS1L):c.-96C>G

Gene: FRRS1L (ferric chelate reductase 1 like; minus strand). Cytogenetic location: 9q31.3.
Variant type: single nucleotide variant.
Coding change: c.-96C>G on transcript NM_014334.4 (MANE Select); 96 bases upstream of the start codon, C replaced by G.
Molecular consequence: 5 prime UTR variant.
Genome position (GRCh38, 1-based): chr9:109,167,234, G>C on the plus strand (C>G on the coding strand, the complement: FRRS1L is on the minus strand). VCF-style: chr9-109167234-G-C. GRCh37 (hg19) VCF-style: chr9-111929514-G-C.
Other names: c.58C>G (NM_014334.2).
Identifiers: ClinVar variation 1956025 (VCV001956025.3), dbSNP rs542485399, ClinGen allele CA197585173.
Genomic context (GRCh38, chr9:109,167,234, plus strand): 5'-CCGCAGCGGGGGCGCCGCGGGCGCGGGCCGGGACTGAGCCTCCGCCGAGGCCACCAGCAC[G>C]CGCCCGCGCAGCCGCGGAGCCTCCCGCACCCCCGCCTCCCTGCCTCGGTCTGCGCATCCT-3'

ClinVar aggregate classification (germline): Uncertain significance. Review status: criteria provided, multiple submitters, no conflicts (2 of 4 stars). 2 submissions from 2 submitters: Uncertain significance (2). Last evaluated 2024-08-05.

Conditions:
Developmental and epileptic encephalopathy, 37 (DEE37). Also called: Epileptic encephalopathy, early infantile, 37. Identifiers: MedGen C4310770, MONDO:0014859, OMIM 616981.
Inborn genetic diseases. Identifiers: MedGen C0950123, MeSH D030342.

Allele frequency attached by ClinVar (database versions not stated): 1000 Genomes Project 30x 0.00016; 1000 Genomes Project 0.00060.
gnomAD v4.1: 10 of 1,375,262 alleles (0.00073%); highest among the groups gnomAD compares: East Asian, 0.026%; no homozygotes.

Submissions (2):

Ambry Genetics
Classification: Uncertain significance for Inborn genetic diseases. Last evaluated: 2024-08-05. Review status: criteria provided, single submitter. Criteria: Ambry Variant Classification Scheme 2023. Collection method: clinical testing. Allele origin: germline.

Labcorp Genetics (formerly Invitae), Labcorp
Classification: Uncertain significance for Developmental and epileptic encephalopathy, 37. Last evaluated: 2022-10-13. Review status: criteria provided, single submitter. Criteria: Invitae Variant Classification Sherloc (09022015). Collection method: clinical testing. Allele origin: germline.
Comment: This sequence change replaces arginine, which is basic and polar, with glycine, which is neutral and non-polar, at codon 20 of the FRRS1L protein (p.Arg20Gly). This variant is present in population databases (rs542485399, gnomAD 0.05%). This variant has not been reported in the literature in individuals affected with FRRS1L-related conditions. Algorithms developed to predict the effect of missense changes on protein structure and function are either unavailable or do not agree on the potential impact of this missense change (SIFT: "Deleterious"; PolyPhen-2: "Not Available"; Align-GVGD: "Class C0"). In summary, the available evidence is currently insufficient to determine the role of this variant in disease. Therefore, it has been classified as a Variant of Uncertain Significance.